The following is an entry in ClinVar:

NM_003737.4(DCHS1):c.9443C>T (p.Thr3148Ile)

Gene: DCHS1 (dachsous cadherin-related 1; minus strand). Cytogenetic location: 11p15.4.
Variant type: single nucleotide variant.
Coding change: c.9443C>T on transcript NM_003737.4 (MANE Select); coding-DNA position 9443, C replaced by T.
Protein change: p.Thr3148Ile; replaces threonine 3148 with isoleucine.
Molecular consequence: missense variant.
Genome position (GRCh38, 1-based): chr11:6,622,233, G>A on the plus strand (C>T on the coding strand, the complement: DCHS1 is on the minus strand). VCF-style: chr11-6622233-G-A. GRCh37 (hg19) VCF-style: chr11-6643464-G-A.
Other names: short protein forms T3148I.
Identifiers: ClinVar variation 1307120 (VCV001307120.3), dbSNP rs2134606689, ClinGen allele CA379478742.

ClinVar aggregate classification (germline): Uncertain significance (1 of 4 stars; one submission).

Submission:

GeneDx
Classification: Uncertain significance. Last evaluated: 2026-01-26. Review status: criteria provided, single submitter. Criteria: GeneDx Variant Classification Process June 2021. Collection method: clinical testing. Allele origin: germline. Affected: yes.
Comment: Not observed at significant frequency in large population cohorts (gnomAD); In silico analysis supports that this missense variant has a deleterious effect on protein structure/function; Has not been previously published as pathogenic or benign to our knowledge